The following is an entry in ClinVar:

NM_001148.6(ANK2):c.2944C>G (p.Arg982Gly)

Gene: ANK2 (ankyrin 2; plus strand). Cytogenetic location: 4q26.
Variant type: single nucleotide variant.
Coding change: c.2944C>G on transcript NM_001148.6 (MANE Select); coding-DNA position 2944, C replaced by G.
Protein change: p.Arg982Gly; replaces arginine 982 with glycine.
Molecular consequence: missense variant.
Genome position (GRCh38, 1-based): chr4:113,330,289, C>G. VCF-style: chr4-113330289-C-G. GRCh37 (hg19) VCF-style: chr4-114251445-C-G.
Other names: c.2929C>G, p.Arg977Gly (NM_001386148.2, NM_001386186.2); c.2857C>G, p.Arg953Gly (NM_001386149.1, NM_001386150.1, NM_001386153.1 and 7 more transcripts); c.2758C>G, p.Arg920Gly (NM_001386151.1, NM_001354260.2, NM_001354271.2); c.3001C>G, p.Arg1001Gly (NM_001386152.1); c.2842C>G, p.Arg948Gly (NM_001386154.1, NM_001354274.2, NM_001386142.1); c.2782C>G, p.Arg928Gly (NM_001386156.1, NM_001354257.2); c.2659C>G, p.Arg887Gly (NM_001386157.1, NM_001354277.2); c.2560C>G, p.Arg854Gly (NM_001386158.1); and 23 more; short protein forms R1029G, R191G, R203G, R854G, R887G, R911G, R915G, R920G.
Identifiers: ClinVar variation 3899831 (VCV003899831.1).

ClinVar aggregate classification (germline): Uncertain significance (1 of 4 stars; one submission).

Submission:

GeneDx
Classification: Uncertain significance. Last evaluated: 2024-11-18. Review status: criteria provided, single submitter. Criteria: GeneDx Variant Classification Process June 2021. Collection method: clinical testing. Allele origin: germline. Affected: yes.
Comment: Not observed at significant frequency in large population cohorts (gnomAD); In silico analysis supports that this missense variant has a deleterious effect on protein structure/function; Has not been previously published as pathogenic or benign to our knowledge